The following is an entry in ClinVar:

ClinVar aggregate classification (germline): Uncertain significance. Review status: criteria provided, multiple submitters, no conflicts (2 of 4 stars). 2 submissions from 2 submitters: Uncertain significance (2). Last evaluated 2026-07-06.

Conditions:
Pheochromocytoma. Also called: MAX-Related Hereditary Paraganglioma-Pheochromocytoma Syndrome. Identifiers: Orphanet 29072, MedGen C0031511, MONDO:0008233, OMIM 171300, HP:0002666.
Hereditary cancer-predisposing syndrome. Also called: Tumor predisposition; Hereditary Cancer Syndrome; Hereditary neoplastic syndrome; Neoplastic Syndromes, Hereditary. Identifiers: Orphanet 140162, MedGen C0027672, MeSH D009386, MONDO:0015356.

gnomAD v4.1: 8 of 1,614,034 alleles (0.0005%); highest among the groups gnomAD compares: Non-Finnish European, 0.00068%; no homozygotes.

Submissions (2):

Ambry Genetics
Classification: Uncertain significance for Hereditary cancer-predisposing syndrome. Last evaluated: 2026-07-06. Review status: criteria provided, single submitter. Criteria: Ambry Variant Classification Scheme 2023. Collection method: clinical testing. Allele origin: germline.
Comment: The p.K90R variant (also known as c.269A>G), located in coding exon 4 of the MAX gene, results from an A to G substitution at nucleotide position 269. The lysine at codon 90 is replaced by arginine, an amino acid with highly similar properties. This amino acid position is conserved. In addition, this alteration is predicted to be tolerated by in silico analysis. Based on the available evidence, the clinical significance of this variant remains unclear.

St. Jude Molecular Pathology, St. Jude Children's Research Hospital
Classification: Uncertain significance for Pheochromocytoma. Last evaluated: 2024-05-27. Review status: criteria provided, single submitter. Criteria: St. Jude Assertion Criteria 2020. Collection method: clinical testing. Allele origin: germline.
Comment: The MAX c.269A>G (p.Lys90Arg) variant has a maximum subpopulation frequency of 0.0023% in gnomAD v2.1.1. The in silico tool REVEL predicts a benign effect on protein function, but to our knowledge this prediction has not been confirmed by functional studies. To our knowledge, this variant has not been identified in individuals with pheochromocytoma. In summary, the evidence currently available is insufficient to determine the clinical significance of this variant. It has therefore been classified as of uncertain significance.

NM_002382.5(MAX):c.172-6166A>G

Gene: MAX (MYC associated transcriptional regulator X; minus strand). Cytogenetic location: 14q23.3.
Variant type: single nucleotide variant.
Coding change: c.172-6166A>G on transcript NM_002382.5 (MANE Select); 6166 bases into the intron before coding-DNA position 172, A replaced by G.
Molecular consequence: intron variant. On other transcripts: missense variant (3), 3 prime UTR variant (1), non-coding transcript variant (4).
Genome position (GRCh38, 1-based): chr14:65,084,202, T>C on the plus strand (A>G on the coding strand, the complement: MAX is on the minus strand). VCF-style: chr14-65084202-T-C. GRCh37 (hg19) VCF-style: chr14-65550920-T-C.
Other names: c.242A>G, p.Lys81Arg (NM_001271068.2, NM_001407113.1); c.*43A>G (NM_001407114.1); c.269A>G, p.Lys90Arg (NM_145114.3); c.144+9506A>G (NM_001271069.2); c.171+9506A>G (NM_197957.4); c.-196-6166A>G (NM_001407112.1, NM_001407111.1); c.-103-6166A>G (NM_001407106.1, NM_001407107.1, NM_001320415.2 and 1 more transcripts); c.145-6166A>G (NM_001407095.1, NM_001407110.1, NM_001407102.1 and 6 more transcripts); and 3 more; short protein forms K81R, K90R.
Identifiers: ClinVar variation 3377781 (VCV003377781.2).